The following is an entry in ClinVar:

ClinVar aggregate classification (germline): Benign/Likely benign. Review status: criteria provided, multiple submitters, no conflicts (2 of 4 stars). 4 submissions from 4 submitters: Benign (1); Likely benign (3). Last evaluated 2025-03-20.

Conditions:
Juvenile polyposis syndrome (JPS). Identifiers: Orphanet 2929, MedGen C0345893, MONDO:0017380, OMIM 174900.
Hereditary cancer-predisposing syndrome. Also called: Hereditary Cancer Syndrome; Neoplastic Syndromes, Hereditary; Hereditary neoplastic syndrome; Tumor predisposition. Identifiers: Orphanet 140162, MedGen C0027672, MeSH D009386, MONDO:0015356.
Familial thoracic aortic aneurysm and aortic dissection (TAAD). Also called: Thoracic aortic aneurysms and dissections. Identifiers: Orphanet 91387, MedGen C4707243, MONDO:0019625.
Juvenile polyposis/hereditary hemorrhagic telangiectasia syndrome (JPHT). Also called: JP/HHT SYNDROME; JUVENILE POLYPOSIS WITH HEREDITARY HEMORRHAGIC TELANGIECTASIA; POLYPOSIS, GENERALIZED JUVENILE, WITH PULMONARY ARTERIOVENOUS MALFORMATION; TELANGIECTASIA, HEREDITARY HEMORRHAGIC, WITH JUVENILE POLYPOSIS COLI; Juvenile Polyposis Syndrome / Hereditary Hemorrhagic Telangiectasia (JPS/HHT). Identifiers: Orphanet 2929, MedGen C1832942, MONDO:0008278, OMIM 175050.

Submissions (4):

Myriad Genetics, Inc.
Classification: Benign for Juvenile polyposis/hereditary hemorrhagic telangiectasia syndrome. Last evaluated: 2025-03-20. Review status: criteria provided, single submitter. Criteria: Myriad Autosomal Dominant, Autosomal Recessive and X-Linked Classification Criteria (2023). Collection method: clinical testing. Allele origin: unknown.
Comment: This variant is considered benign. This variant is a silent/synonymous amino acid change and it is not expected to impact splicing.

Labcorp Genetics (formerly Invitae), Labcorp
Classification: Likely benign for Juvenile polyposis syndrome. Last evaluated: 2024-01-12. Review status: criteria provided, single submitter. Criteria: Invitae Variant Classification Sherloc (09022015). Collection method: clinical testing. Allele origin: germline.

All of Us Research Program, National Institutes of Health
Classification: Likely benign for Juvenile polyposis/hereditary hemorrhagic telangiectasia syndrome. Last evaluated: 2023-05-16. Review status: criteria provided, single submitter. Criteria: ACMG Guidelines, 2015. Collection method: clinical testing. Allele origin: germline. Inheritance: Autosomal dominant inheritance. Observed: 1 variant allele, 1 heterozygote.
Comment: This study involves interpretation of variants in research participants for the purpose of population health screening. Participant phenotype was not available at the time of variant classification. Additional details can be found in publication PMID: 35346344, PMCID: PMC8962531

Ambry Genetics
Classification: Likely benign for Hereditary cancer-predisposing syndrome; Familial thoracic aortic aneurysm and aortic dissection. Last evaluated: 2021-08-23. Review status: criteria provided, single submitter. Criteria: Ambry Variant Classification Scheme 2023. Collection method: clinical testing. Allele origin: germline.

NM_005359.6(SMAD4):c.915C>T (p.His305=)

Gene: SMAD4 (SMAD family member 4; plus strand). Cytogenetic location: 18q21.2.
Variant type: single nucleotide variant.
Coding change: c.915C>T on transcript NM_005359.6 (MANE Select); coding-DNA position 915, C replaced by T.
Protein change: p.His305=; no amino-acid change (histidine 305 retained).
Molecular consequence: synonymous variant.
Genome position (GRCh38, 1-based): chr18:51,059,876, C>T. VCF-style: chr18-51059876-C-T. GRCh37 (hg19) VCF-style: chr18-48586246-C-T.
Identifiers: ClinVar variation 1130575 (VCV001130575.13), dbSNP rs1909959040, ClinGen allele CA503873922.